The following is an entry in ClinVar:

NM_005996.4(TBX3):c.1724C>A (p.Ser575Tyr)

Gene: TBX3 (T-box transcription factor 3; minus strand). Cytogenetic location: 12q24.21.
Variant type: single nucleotide variant.
Coding change: c.1724C>A on transcript NM_005996.4 (MANE Select); coding-DNA position 1724, C replaced by A.
Protein change: p.Ser575Tyr; replaces serine 575 with tyrosine.
Molecular consequence: missense variant.
Genome position (GRCh38, 1-based): chr12:114,672,289, G>T on the plus strand (C>A on the coding strand, the complement: TBX3 is on the minus strand). VCF-style: chr12-114672289-G-T. GRCh37 (hg19) VCF-style: chr12-115110094-G-T.
Other names: c.1784C>A, p.Ser595Tyr (NM_016569.4); short protein forms S575Y, S595Y.
Identifiers: ClinVar variation 4992030 (VCV004992030.1).

ClinVar aggregate classification (germline): Uncertain significance (1 of 4 stars; one submission).

Conditions:
TBX3-related disorder. Also called: TBX3-related condition.

gnomAD v4.1: 2 of 1,563,862 alleles (0.00013%); highest among the groups gnomAD compares: Non-Finnish European, 0.00017%; no homozygotes.

Submission:

PreventionGenetics, part of Exact Sciences
Classification: Uncertain significance for TBX3-related condition. Last evaluated: 2026-07-13. Review status: criteria provided, single submitter. Criteria: ACMG Guidelines, 2015. Collection method: clinical testing. Allele origin: germline.
Comment: The TBX3 c.1784C>A variant is predicted to result in the amino acid substitution p.Ser595Tyr. To our knowledge, this variant has not been reported in the literature. This variant is reported in 0.0017% of alleles in individuals of European (Non-Finnish) descent in gnomAD. At this time, the clinical significance of this variant is uncertain due to the absence of conclusive functional and genetic evidence.